The following is an entry in ClinVar:

ClinVar aggregate classification (germline): Pathogenic. Review status: criteria provided, multiple submitters, no conflicts (2 of 4 stars). 2 submissions from 2 submitters: Pathogenic (2). Last evaluated 2021-10-25.

Conditions:
Cardiovascular phenotype. Identifiers: MedGen CN230736.
Hereditary cancer-predisposing syndrome. Also called: Hereditary neoplastic syndrome; Tumor predisposition; Neoplastic Syndromes, Hereditary; Hereditary Cancer Syndrome. Identifiers: Orphanet 140162, MedGen C0027672, MeSH D009386, MONDO:0015356.
Neurofibromatosis, type 1 (NF1). Also called: Peripheral type neurofibromatosis; VON RECKLINGHAUSEN DISEASE; NEUROFIBROMATOSIS, TYPE I, SOMATIC; Neurofibromatosis, type I. Identifiers: Orphanet 636, MedGen C0027831, MONDO:0018975, OMIM 162200. Disease mechanism: loss of function.

Submissions (2):

MGZ Medical Genetics Center
Classification: Pathogenic for Neurofibromatosis, type 1. Last evaluated: 2021-10-25. Review status: criteria provided, single submitter. Criteria: ACMG Guidelines, 2015. Collection method: clinical testing. Allele origin: germline. Affected: yes. Observed: 1 variant allele.
Comment: ACMG criteria applied: PVS1, PS2, PM2_SUP

Ambry Genetics
Classification: Pathogenic for Cardiovascular phenotype; Hereditary cancer-predisposing syndrome. Last evaluated: 2021-05-24. Review status: criteria provided, single submitter. Criteria: Ambry Variant Classification Scheme 2023. Collection method: clinical testing. Allele origin: germline.
Comment: The p.E884* pathogenic mutation (also known as c.2650G>T), located in coding exon 21 of the NF1 gene, results from a G to T substitution at nucleotide position 2650. This changes the amino acid from a glutamic acid to a stop codon within coding exon 21. This mutation has been reported in an individual with a clinical diagnosis of neurofibromatosis type 1 (NF1) (Brinckmann A et al. Electrophoresis, 2007 Dec;28:4295-301). In addition to the clinical data presented in the literature, this alteration is expected to result in loss of function by premature protein truncation or nonsense-mediated mRNA decay. As such, this alteration is interpreted as a disease-causing mutation.

NM_001042492.3(NF1):c.2650G>T (p.Glu884Ter)

Gene: NF1 (neurofibromin 1; plus strand). Cytogenetic location: 17q11.2.
Variant type: single nucleotide variant.
Coding change: c.2650G>T on transcript NM_001042492.3 (MANE Select); coding-DNA position 2650, G replaced by T.
Protein change: p.Glu884Ter; replaces glutamic acid 884 with a stop codon.
Molecular consequence: nonsense.
Genome position (GRCh38, 1-based): chr17:31,229,265, G>T. VCF-style: chr17-31229265-G-T. GRCh37 (hg19) VCF-style: chr17-29556283-G-T.
Other names: c.2650G>T, p.Glu884Ter (NM_000267.4); short protein forms E884*.
Identifiers: ClinVar variation 1710067 (VCV001710067.4), dbSNP rs2151429357, ClinGen allele CA398984715.
Genomic context (GRCh38, chr17:31,229,265, plus strand): 5'-AGCCCACCCATGGGTCCAGTCAGTGAACGTAAGGGTTCTATGATTTCAGTGATGTCTTCA[G>T]AGGGAAACGCAGATACACCTGTCAGCAAATTTATGGATCGGCTGTTGTCCTTAATGGTGT-3'